The following is an entry in ClinVar:

NM_021831.6(AGBL5):c.726G>C (p.Lys242Asn)

Gene: AGBL5 (AGBL carboxypeptidase 5; plus strand). Cytogenetic location: 2p23.3.
Variant type: single nucleotide variant.
Coding change: c.726G>C on transcript NM_021831.6 (MANE Select); coding-DNA position 726, G replaced by C.
Protein change: p.Lys242Asn; replaces lysine 242 with asparagine.
Molecular consequence: missense variant. On other transcripts: non-coding transcript variant (2).
Genome position (GRCh38, 1-based): chr2:27,054,804, G>C. VCF-style: chr2-27054804-G-C. GRCh37 (hg19) VCF-style: chr2-27277672-G-C.
Other names: c.726G>C, p.Lys242Asn (NM_001035506.1, NM_001035507.3); short protein forms K242N.
Identifiers: ClinVar variation 2081579 (VCV002081579.5), dbSNP rs2465450980, ClinGen allele CA346174425.
Genomic context (GRCh38, chr2:27,054,804, plus strand): 5'-CCGTCTAGAGCAGCTATTTCCTGATACCAGCACCCCTCGACCATTCCGTTTCGCAGGCAA[G>C]AGGGTGAGTGGAAATAGCATAAAGGTAGTTCTTTGGCTTTTCTCTAGCACCAGGTACTGT-3'
Protein context (NP_068603.4, residues 232-252): STPRPFRFAG[Lys242Asn]RIFFLSSRVH

ClinVar aggregate classification (germline): Uncertain significance. Review status: criteria provided, single submitter (1 of 4 stars). 2 submissions from 2 submitters: Uncertain significance (1). 1 of the submissions does not count toward it. Last evaluated 2025-04-23.

Conditions:
Retinal dystrophy. Also called: Inherited retinal dystrophy. Identifiers: Orphanet 71862, MedGen C0854723, MeSH D058499, MONDO:0019118, HP:0000556.

Submissions (2):

Labcorp Genetics (formerly Invitae), Labcorp
Classification: Uncertain significance. Last evaluated: 2025-04-23. Review status: criteria provided, single submitter. Criteria: Invitae Variant Classification Sherloc (09022015). Collection method: clinical testing. Allele origin: germline.
Comment: This sequence change replaces lysine, which is basic and polar, with asparagine, which is neutral and polar, at codon 242 of the AGBL5 protein (p.Lys242Asn). This variant is not present in population databases (gnomAD no frequency). This variant has not been reported in the literature in individuals affected with AGBL5-related conditions. ClinVar contains an entry for this variant (Variation ID: 2081579). An algorithm developed to predict the effect of missense changes on protein structure and function (PolyPhen-2) suggests that this variant is likely to be disruptive. In summary, the available evidence is currently insufficient to determine the role of this variant in disease. Therefore, it has been classified as a Variant of Uncertain Significance.

Institute of Human Genetics, Univ. Regensburg, Univ. Regensburg
Classification: Uncertain significance for Retinal dystrophy. Last evaluated: 2023-01-01. Review status: no assertion criteria provided. Criteria: ACMG Guidelines, 2015. Collection method: clinical testing. Allele origin: germline. Affected: yes. Not counted in ClinVar's aggregate classification.